The following is an entry in ClinVar:

ClinVar aggregate classification (germline): Uncertain significance. Review status: criteria provided, multiple submitters, no conflicts (2 of 4 stars). 2 submissions from 2 submitters: Uncertain significance (2). Last evaluated 2024-03-08.

Conditions:
Inborn genetic diseases. Identifiers: MedGen C0950123, MeSH D030342.
Acrocallosal syndrome (ACLS). Also called: HALLUX DUPLICATION, POSTAXIAL POLYDACTYLY, AND ABSENCE OF CORPUS CALLOSUM; Schinzel syndrome 1; Absence of corpus callosum with unusual facial appearance, mental deficiency, duplication of the halluces and polydactyly. Identifiers: Orphanet 36, MedGen C0796147, MONDO:0008708, OMIM 200990.

Allele frequency attached by ClinVar (database versions not stated): gnomAD exomes 0.00002.
gnomAD v4.1: 23 of 1,613,224 alleles (0.0014%); highest among the groups gnomAD compares: Non-Finnish European, 0.0019%; no homozygotes.

Submissions (2):

Ambry Genetics
Classification: Uncertain significance for Inborn genetic diseases. Last evaluated: 2024-03-08. Review status: criteria provided, single submitter. Criteria: Ambry Variant Classification Scheme 2023. Collection method: clinical testing. Allele origin: germline.

Labcorp Genetics (formerly Invitae), Labcorp
Classification: Uncertain significance for Acrocallosal syndrome. Last evaluated: 2022-06-22. Review status: criteria provided, single submitter. Criteria: Invitae Variant Classification Sherloc (09022015). Collection method: clinical testing. Allele origin: germline.
Comment: This sequence change replaces arginine, which is basic and polar, with glutamine, which is neutral and polar, at codon 549 of the KIF7 protein (p.Arg549Gln). This variant is present in population databases (no rsID available, gnomAD 0.0009%). This variant has not been reported in the literature in individuals affected with KIF7-related conditions. Algorithms developed to predict the effect of missense changes on protein structure and function (SIFT, PolyPhen-2, Align-GVGD) all suggest that this variant is likely to be tolerated. In summary, the available evidence is currently insufficient to determine the role of this variant in disease. Therefore, it has been classified as a Variant of Uncertain Significance.

NM_198525.3(KIF7):c.1646G>A (p.Arg549Gln)

Gene: KIF7 (kinesin family member 7; minus strand). Cytogenetic location: 15q26.1.
Variant type: single nucleotide variant.
Coding change: c.1646G>A on transcript NM_198525.3 (MANE Select); coding-DNA position 1646, G replaced by A.
Protein change: p.Arg549Gln; replaces arginine 549 with glutamine.
Molecular consequence: missense variant.
Genome position (GRCh38, 1-based): chr15:89,646,972, C>T on the plus strand (G>A on the coding strand, the complement: KIF7 is on the minus strand). VCF-style: chr15-89646972-C-T. GRCh37 (hg19) VCF-style: chr15-90190203-C-T.
Other names: c.1646G>A (NM_198525.2); short protein forms R549Q.
Identifiers: ClinVar variation 2195045 (VCV002195045.2), dbSNP rs1222355686, ClinGen allele CA393767696.